The following is an entry in ClinVar:

ClinVar aggregate classification (germline): Uncertain significance (1 of 4 stars; one submission).

Conditions:
Charcot-Marie-Tooth disease type 4. Also called: Charcot-Marie-Tooth, Type 4; Charcot-Marie-Tooth disease, type IV. Identifiers: Orphanet 64749, MedGen C4082197, MONDO:0018995.

Allele frequency attached by ClinVar (database versions not stated): gnomAD exomes below 0.00001; gnomAD 0.00001; TOPMed 0.00001.

Submission:

Labcorp Genetics (formerly Invitae), Labcorp
Classification: Uncertain significance for Charcot-Marie-Tooth disease type 4. Last evaluated: 2022-06-14. Review status: criteria provided, single submitter. Criteria: Invitae Variant Classification Sherloc (09022015). Collection method: clinical testing. Allele origin: germline.
Comment: This variant is not present in population databases (gnomAD no frequency). This variant has not been reported in the literature in individuals affected with PRX-related conditions. Algorithms developed to predict the effect of missense changes on protein structure and function (SIFT, PolyPhen-2, Align-GVGD) all suggest that this variant is likely to be disruptive. In summary, the available evidence is currently insufficient to determine the role of this variant in disease. Therefore, it has been classified as a Variant of Uncertain Significance. This sequence change replaces proline, which is neutral and non-polar, with serine, which is neutral and polar, at codon 807 of the PRX protein (p.Pro807Ser).

NM_181882.3(PRX):c.2419C>T (p.Pro807Ser)

Gene: PRX (periaxin; minus strand). Cytogenetic location: 19q13.2.
Variant type: single nucleotide variant.
Coding change: c.2419C>T on transcript NM_181882.3 (MANE Select); coding-DNA position 2419, C replaced by T.
Protein change: p.Pro807Ser; replaces proline 807 with serine.
Molecular consequence: missense variant. On other transcripts: 3 prime UTR variant (1).
Genome position (GRCh38, 1-based): chr19:40,395,933, G>A on the plus strand (C>T on the coding strand, the complement: PRX is on the minus strand). VCF-style: chr19-40395933-G-A. GRCh37 (hg19) VCF-style: chr19-40901840-G-A.
Other names: c.2704C>T, p.Pro902Ser (NM_001411127.1); c.*2624C>T (NM_020956.2); short protein forms P807S, P902S.
Identifiers: ClinVar variation 1982580 (VCV001982580.4), dbSNP rs2079430287, ClinGen allele CA405896318.